The following is an entry in ClinVar:

ClinVar aggregate classification (germline): Uncertain significance. Review status: criteria provided, multiple submitters, no conflicts (2 of 4 stars). 2 submissions from 2 submitters: Uncertain significance (2). Last evaluated 2024-12-22.

Conditions:
Erythrocytosis, familial, 3 (ECYT3). Identifiers: Orphanet 247511, MedGen C1853286, MONDO:0012353, OMIM 609820.

Allele frequency attached by ClinVar (database versions not stated): TOPMed 0.00001.

Submissions (2):

Ambry Genetics
Classification: Uncertain significance. Last evaluated: 2024-12-22. Review status: criteria provided, single submitter. Criteria: Ambry Variant Classification Scheme 2023. Collection method: clinical testing. Allele origin: germline.
Comment: The p.A142T variant (also known as c.424G>A), located in coding exon 1 of the EGLN1 gene, results from a G to A substitution at nucleotide position 424. The alanine at codon 142 is replaced by threonine, an amino acid with similar properties. This amino acid position is conserved. In addition, this alteration is predicted to be tolerated by in silico analysis. Since supporting evidence is limited at this time, the clinical significance of this alteration remains unclear.

Labcorp Genetics (formerly Invitae), Labcorp
Classification: Uncertain significance for Erythrocytosis, familial, 3. Last evaluated: 2024-05-27. Review status: criteria provided, single submitter. Criteria: Invitae Variant Classification Sherloc (09022015). Collection method: clinical testing. Allele origin: germline.
Comment: This sequence change replaces alanine, which is neutral and non-polar, with threonine, which is neutral and polar, at codon 142 of the EGLN1 protein (p.Ala142Thr). This variant is not present in population databases (gnomAD no frequency). This variant has not been reported in the literature in individuals affected with EGLN1-related conditions. ClinVar contains an entry for this variant (Variation ID: 2084319). An algorithm developed to predict the effect of missense changes on protein structure and function (PolyPhen-2) suggests that this variant is likely to be tolerated. In summary, the available evidence is currently insufficient to determine the role of this variant in disease. Therefore, it has been classified as a Variant of Uncertain Significance.

NM_022051.3(EGLN1):c.424G>A (p.Ala142Thr)

Gene: EGLN1 (egl-9 family hypoxia inducible factor 1; minus strand). Cytogenetic location: 1q42.2.
Variant type: single nucleotide variant.
Coding change: c.424G>A on transcript NM_022051.3 (MANE Select); coding-DNA position 424, G replaced by A.
Protein change: p.Ala142Thr; replaces alanine 142 with threonine.
Molecular consequence: missense variant.
Genome position (GRCh38, 1-based): chr1:231,421,465, C>T on the plus strand (G>A on the coding strand, the complement: EGLN1 is on the minus strand). VCF-style: chr1-231421465-C-T. GRCh37 (hg19) VCF-style: chr1-231557211-C-T.
Other names: c.424G>A, p.Ala142Thr (NM_001377260.1, NM_001377261.1); c.424G>A (NM_022051.2); short protein forms A142T.
Identifiers: ClinVar variation 2084319 (VCV002084319.7), dbSNP rs747146652, ClinGen allele CA1453184.